The following is an entry in ClinVar:

ClinVar aggregate classification (germline): Uncertain significance (1 of 4 stars; one submission).

Submission:

Labcorp Genetics (formerly Invitae), Labcorp
Classification: Uncertain significance. Last evaluated: 2022-09-13. Review status: criteria provided, single submitter. Criteria: Invitae Variant Classification Sherloc (09022015). Collection method: clinical testing. Allele origin: germline.
Comment: This sequence change replaces valine, which is neutral and non-polar, with alanine, which is neutral and non-polar, at codon 1175 of the SI protein (p.Val1175Ala). This variant is not present in population databases (gnomAD no frequency). This variant has not been reported in the literature in individuals affected with SI-related conditions. Algorithms developed to predict the effect of missense changes on protein structure and function (SIFT, PolyPhen-2, Align-GVGD) all suggest that this variant is likely to be disruptive. Algorithms developed to predict the effect of sequence changes on RNA splicing suggest that this variant may create or strengthen a splice site. In summary, the available evidence is currently insufficient to determine the role of this variant in disease. Therefore, it has been classified as a Variant of Uncertain Significance.

NM_001041.4(SI):c.3524T>C (p.Val1175Ala)

Gene: SI (sucrase-isomaltase; minus strand). Cytogenetic location: 3q26.1.
Variant type: single nucleotide variant.
Coding change: c.3524T>C on transcript NM_001041.4 (MANE Select); coding-DNA position 3524, T replaced by C.
Protein change: p.Val1175Ala; replaces valine 1175 with alanine.
Molecular consequence: missense variant.
Genome position (GRCh38, 1-based): chr3:165,017,870, A>G on the plus strand (T>C on the coding strand, the complement: SI is on the minus strand). VCF-style: chr3-165017870-A-G. GRCh37 (hg19) VCF-style: chr3-164735658-A-G.
Other names: short protein forms V1175A.
Identifiers: ClinVar variation 1942330 (VCV001942330.2), dbSNP rs1431988029, ClinGen allele CA355038477.